The following is an entry in ClinVar:

ClinVar aggregate classification (germline): Uncertain significance. Review status: criteria provided, multiple submitters, no conflicts (2 of 4 stars). 2 submissions from 2 submitters: Uncertain significance (2). Last evaluated 2026-01-17.

Conditions:
Inborn genetic diseases. Identifiers: MedGen C0950123, MeSH D030342.

gnomAD v4.1: 2 of 1,613,466 alleles (0.00012%); highest among the groups gnomAD compares: Non-Finnish European, 0.00017%; no homozygotes.

Submissions (2):

Labcorp Genetics (formerly Invitae), Labcorp
Classification: Uncertain significance. Last evaluated: 2026-01-17. Review status: criteria provided, single submitter. Criteria: Invitae Variant Classification Sherloc (09022015). Collection method: clinical testing. Allele origin: germline.
Comment: This sequence change replaces glutamic acid, which is acidic and polar, with aspartic acid, which is acidic and polar, at codon 923 of the MECOM protein (p.Glu923Asp). This variant is not present in population databases (gnomAD no frequency). This variant has not been reported in the literature in individuals affected with MECOM-related conditions. ClinVar contains an entry for this variant (Variation ID: 4053106). An algorithm developed to predict the effect of missense changes on protein structure and function (PolyPhen-2) suggests that this variant is likely to be tolerated. In summary, the available evidence is currently insufficient to determine the role of this variant in disease. Therefore, it has been classified as a Variant of Uncertain Significance.

Ambry Genetics
Classification: Uncertain significance for Inborn genetic diseases. Last evaluated: 2025-03-28. Review status: criteria provided, single submitter. Criteria: Ambry Variant Classification Scheme 2023. Collection method: clinical testing. Allele origin: germline.
Comment: The p.E1111D variant (also known as c.3333A>C), located in coding exon 15 of the MECOM gene, results from an A to C substitution at nucleotide position 3333. The glutamic acid at codon 1111 is replaced by aspartic acid, an amino acid with highly similar properties. This amino acid position is conserved. In addition, this alteration is predicted to be tolerated by in silico analysis. Based on the available evidence, the clinical significance of this variant remains unclear.

NM_004991.4(MECOM):c.3333A>C (p.Glu1111Asp)

Gene: MECOM (MDS1 and EVI1 complex locus; minus strand). Cytogenetic location: 3q26.2.
Variant type: single nucleotide variant.
Coding change: c.3333A>C on transcript NM_004991.4 (MANE Select); coding-DNA position 3333, A replaced by C.
Protein change: p.Glu1111Asp; replaces glutamic acid 1111 with aspartic acid.
Molecular consequence: missense variant.
Genome position (GRCh38, 1-based): chr3:169,090,068, T>G on the plus strand (A>C on the coding strand, the complement: MECOM is on the minus strand). VCF-style: chr3-169090068-T-G. GRCh37 (hg19) VCF-style: chr3-168807856-T-G.
Other names: c.2769A>C, p.Glu923Asp (NM_001205194.2, NM_001366469.2, NM_005241.4 and 1 more transcripts); c.3306A>C, p.Glu1102Asp (NM_001366466.2); c.2772A>C, p.Glu924Asp (NM_001366467.2, NM_001366468.2); c.2745A>C, p.Glu915Asp (NM_001366470.2, NM_001163999.2); c.2742A>C, p.Glu914Asp (NM_001366471.2, NM_001366472.2, NM_001164000.2); c.2334A>C, p.Glu778Asp (NM_001366473.2); c.1770A>C, p.Glu590Asp (NM_001366474.2); c.2964A>C, p.Glu988Asp (NM_001105077.4); short protein forms E1102D, E1111D, E590D, E778D, E914D, E988D, E923D, E924D.
Identifiers: ClinVar variation 4053106 (VCV004053106.2).
Genomic context (GRCh38, chr3:169,090,068, plus strand): 5'-GGATGTCTTGCAACTCATCTCCAGGGCACTGGTTTCTTCATAGTCATCCTCAGGGTTTCC[T>G]TCATGTAAATTACTTGTCACTGGTTCCTTTCCTGTTTTTCCAGTAATATCATTGTCTTCA-3'
Protein context (NP_004982.2, residues 1101-1121): GKEPVTSNLH[Glu1111Asp]GNPEDDYEET